The following is an entry in ClinVar:

ClinVar aggregate classification (germline): Pathogenic (1 of 4 stars; one submission).

Conditions:
Nonsyndromic congenital nail disorder 8. Also called: TOENAIL DYSTROPHY, ISOLATED. Identifiers: MedGen C1843761, MONDO:0011852, OMIM 607523.
Epidermolysis bullosa pruriginosa. Also called: DEB, PRURIGINOSA; DYSTROPHIC EPIDERMOLYSIS BULLOSA PRURIGINOSA. Identifiers: Orphanet 89843, MedGen C1275114, MONDO:0011398, OMIM 604129.
Recessive dystrophic epidermolysis bullosa (RDEB). Also called: DYSTROPHIC EPIDERMOLYSIS BULLOSA, AUTOSOMAL RECESSIVE; EPIDERMOLYSIS BULLOSA DYSTROPHICA, HALLOPEAU-SIEMENS TYPE; EPIDERMOLYSIS BULLOSA DYSTROPHICA, GENERALIZED SEVERE, AUTOSOMAL RECESSIVE; epidermolysis bullosa dystrophica, autosomal recessive; Recessive DEB (RDEB); Hallopeau-Siemens Disease. Identifiers: Orphanet 79408, Orphanet 79409, MedGen C0079474, MONDO:0009179, OMIM 226600.
Dominant dystrophic epidermolysis bullosa with absence of skin. Also called: EPIDERMOLYSIS BULLOSA WITH CONGENITAL LOCALIZED ABSENCE OF SKIN AND DEFORMITY OF NAILS; EPIDERMOLYSIS BULLOSA DYSTROPHICA, BART TYPE. Identifiers: MedGen C0268371, MONDO:0007557, OMIM 132000.
Pretibial dystrophic epidermolysis bullosa. Also called: EPIDERMOLYSIS BULLOSA DYSTROPHICA, PRETIBIAL; Pretibial epidermolysis bullosa; Pretibial blistering. Identifiers: Orphanet 79410, MedGen C0432321, MONDO:0007552, OMIM 131850, HP:0012221.
Transient bullous dermolysis of the newborn (TBDN). Also called: DYSTROPHIC EPIDERMOLYSIS BULLOSA, NEONATAL; EPIDERMOLYSIS BULLOSA DYSTROPHICA, NEONATAL FORM. Identifiers: Orphanet 79411, MedGen C1851573, MONDO:0007548, OMIM 131705.
Generalized dominant dystrophic epidermolysis bullosa (DDEB). Also called: Dominant DEB (DDEB); DDEB, generalized; DDEB-gen; DYSTROPHIC EPIDERMOLYSIS BULLOSA, AUTOSOMAL DOMINANT; Epidermolysis bullosa dystrophica, autosomal dominant. Identifiers: Orphanet 231568, MedGen C0432322, MONDO:0007549, OMIM 131750.

Submission:

Juno Genomics, Hangzhou Juno Genomics, Inc
Classification: Pathogenic for Recessive dystrophic epidermolysis bullosa; Generalized dominant dystrophic epidermolysis bullosa; Dominant dystrophic epidermolysis bullosa with absence of skin; Nonsyndromic congenital nail disorder 8; Epidermolysis bullosa pruriginosa; Pretibial dystrophic epidermolysis bullosa; Transient bullous dermolysis of the newborn. Review status: criteria provided, single submitter. Criteria: ACMG Guidelines, 2015. Collection method: clinical testing. Allele origin: germline. Affected: yes.
Comment: Absent from controls (or at extremely low frequency if recessive) in Genome Aggregation Database, Exome Sequencing Project, 1000 Genomes Project, or Exome Aggregation Consortium.;Null variant in a gene where loss of function (LOF) is a known mechanism of disease.;Patient's phenotype or family history is highly specific for a disease with a single genetic etiology.

NM_000094.4(COL7A1):c.3432C>G (p.Tyr1144Ter)

Gene: COL7A1 (collagen type VII alpha 1 chain; minus strand). Cytogenetic location: 3p21.31.
Variant type: single nucleotide variant.
Coding change: c.3432C>G on transcript NM_000094.4 (MANE Select); coding-DNA position 3432, C replaced by G.
Protein change: p.Tyr1144Ter; replaces tyrosine 1144 with a stop codon.
Molecular consequence: nonsense.
Genome position (GRCh38, 1-based): chr3:48,586,450, G>C on the plus strand (C>G on the coding strand, the complement: COL7A1 is on the minus strand). VCF-style: chr3-48586450-G-C. GRCh37 (hg19) VCF-style: chr3-48623883-G-C.
Other names: short protein forms Y1144*.
Identifiers: ClinVar variation 3764691 (VCV003764691.2).
Genomic context (GRCh38, chr3:48,586,450, plus strand): 5'-TAGCAGAACCATCACCCCTGGTACGTGCTGGCGGCGCCCAGGAGCATCTGGTGCCAACAT[G>C]TATCTGTGAGCTGTGACCACGGCTGTGCCTGGAAGGAAGGACATGTCAGAACCCTGGGGC-3'